The following is an entry in ClinVar:

ClinVar aggregate classification (germline): Uncertain significance (1 of 4 stars; one submission).

Submission:

GeneDx
Classification: Uncertain significance. Last evaluated: 2024-01-08. Review status: criteria provided, single submitter. Criteria: GeneDx Variant Classification Process June 2021. Collection method: clinical testing. Allele origin: germline. Affected: yes.
Comment: Not observed at significant frequency in large population cohorts (gnomAD); In silico analysis supports that this missense variant has a deleterious effect on protein structure/function; Has not been previously published as pathogenic or benign to our knowledge

NM_001379200.1(TBX1):c.557C>T (p.Ser186Phe)

Gene: TBX1 (T-box transcription factor 1; plus strand). Cytogenetic location: 22q11.21.
Variant type: single nucleotide variant.
Coding change: c.557C>T on transcript NM_001379200.1 (MANE Select); coding-DNA position 557, C replaced by T.
Protein change: p.Ser186Phe; replaces serine 186 with phenylalanine.
Molecular consequence: missense variant.
Genome position (GRCh38, 1-based): chr22:19,764,172, C>T. VCF-style: chr22-19764172-C-T. GRCh37 (hg19) VCF-style: chr22-19751695-C-T.
Other names: c.530C>T, p.Ser177Phe (NM_005992.1, NM_080646.2, NM_080647.1); short protein forms S177F, S186F.
Identifiers: ClinVar variation 3367725 (VCV003367725.1).